The following is an entry in ClinVar:

NM_000171.4(GLRA1):c.1166A>C (p.Asn389Thr)

Gene: GLRA1 (glycine receptor alpha 1; minus strand). Cytogenetic location: 5q33.1.
Variant type: single nucleotide variant.
Coding change: c.1166A>C on transcript NM_000171.4 (MANE Select); coding-DNA position 1166, A replaced by C.
Protein change: p.Asn389Thr; replaces asparagine 389 with threonine.
Molecular consequence: missense variant.
Genome position (GRCh38, 1-based): chr5:151,822,857, T>G on the plus strand (A>C on the coding strand, the complement: GLRA1 is on the minus strand). VCF-style: chr5-151822857-T-G. GRCh37 (hg19) VCF-style: chr5-151202418-T-G.
Other names: c.1190A>C, p.Asn397Thr (NM_001146040.2); c.917A>C, p.Asn306Thr (NM_001292000.2); short protein forms N389T, N397T, N306T.
Identifiers: ClinVar variation 577509 (VCV000577509.15), dbSNP rs138173310, ClinGen allele CA3523494.
Genomic context (GRCh38, chr5:151,822,857, plus strand): 5'-ATGAAGAGTTTTCGCATCTCCTCTGGGGACTTAGATGGTGCAGGAGGGGGGTTGGTGGTG[T>G]TACTGTTGTTGGCGCCCTTGACTGAGATGCCATCCTTGGCCTGTAGACAGGCTGGGCCCA-3'
Protein context (NP_000162.2, residues 379-399): GISVKGANNS[Asn389Thr]TTNPPPAPSK

ClinVar aggregate classification (germline): Conflicting classifications of pathogenicity. Review status: criteria provided, conflicting classifications (1 of 4 stars). 5 submissions from 5 submitters: Uncertain significance (2); Likely benign (2). 1 of the submissions does not count toward it. Last evaluated 2025-12-02.

Conditions:
Hyperekplexia 1 (STHE). Also called: HYPEREKPLEXIA 1, AUTOSOMAL DOMINANT; HYPEREKPLEXIA 1, AUTOSOMAL RECESSIVE; STARTLE DISEASE, FAMILIAL; STIFF-BABY SYNDROME; STIFF-MAN SYNDROME, CONGENITAL; STIFF-PERSON SYNDROME, CONGENITAL. Identifiers: Orphanet 3197, MedGen C4551954, MONDO:0007868, OMIM 149400.
Hereditary hyperekplexia. Identifiers: Orphanet 3197, MedGen C4084968, MONDO:0021022.
GLRA1-related disorder. Also called: GLRA1-related condition.

Allele frequency attached by ClinVar (database versions not stated): gnomAD exomes 0.00017; 1000 Genomes Project 0.00020; ExAC 0.00023; 1000 Genomes Project 30x 0.00031; gnomAD 0.00065 and 0.00071; TOPMed 0.00069; ESP Exome Variant Server 0.00092.
gnomAD v4.1: 206 of 1,614,078 alleles (0.013%); highest among the groups gnomAD compares: African/African-American, 0.2%; no homozygotes.

Submissions (5):

Labcorp Genetics (formerly Invitae), Labcorp
Classification: Likely benign for Hereditary hyperekplexia. Last evaluated: 2025-12-02. Review status: criteria provided, single submitter. Criteria: Invitae Variant Classification Sherloc (09022015). Collection method: clinical testing. Allele origin: germline.

GeneDx
Classification: Uncertain significance. Last evaluated: 2023-02-14. Review status: criteria provided, single submitter. Criteria: GeneDx Variant Classification Process June 2021. Collection method: clinical testing. Allele origin: germline. Affected: yes.
Comment: In silico analysis supports that this missense variant does not alter protein structure/function; Has not been previously published as pathogenic or benign to our knowledge

Department of Pathology and Laboratory Medicine, Sinai Health System
Classification: Uncertain significance for Hyperekplexia 1. Last evaluated: 2021-07-30. Review status: criteria provided, single submitter. Criteria: ACMG Guidelines, 2015. Collection method: research. Allele origin: germline.

Breakthrough Genomics
Classification: Likely benign. Review status: criteria provided, single submitter. Criteria: ACMG Guidelines, 2015. Collection method: not provided. Allele origin: germline. Inheritance: Autosomal dominant inheritance. Affected: yes.

PreventionGenetics, part of Exact Sciences
Classification: Likely benign for GLRA1-related condition. Last evaluated: 2024-09-19. Review status: no assertion criteria provided. Collection method: clinical testing. Allele origin: germline. Not counted in ClinVar's aggregate classification.
Comment: This variant is classified as likely benign based on ACMG/AMP sequence variant interpretation guidelines (Richards et al. 2015 PMID: 25741868, with internal and published modifications).